The following is an entry in ClinVar:

ClinVar aggregate classification (germline): Pathogenic/Likely pathogenic. Review status: criteria provided, multiple submitters, no conflicts (2 of 4 stars). 6 submissions from 6 submitters: Pathogenic (4); Likely pathogenic (2). Last evaluated 2025-04-18.

Conditions:
Primary ciliary dyskinesia. Also called: Ciliary dyskinesia. Identifiers: Orphanet 244, MedGen C0008780, MONDO:0016575, HP:0012265.
Retinal dystrophy. Also called: Inherited retinal dystrophy. Identifiers: Orphanet 71862, MedGen C0854723, MeSH D058499, MONDO:0019118, HP:0000556.
Retinitis pigmentosa 3. Also called: CHOROIDORETINAL DEGENERATION WITH RETINAL REFLEX IN HETEROZYGOUS WOMEN. Identifiers: Orphanet 791, MedGen C1845667, MONDO:0010227, OMIM 300029.
RPGR-related disorder. Also called: RPGR-related condition.

Submissions (6):

GeneDx
Classification: Pathogenic. Last evaluated: 2025-04-18. Review status: criteria provided, single submitter. Criteria: GeneDx Variant Classification Process June 2021. Collection method: clinical testing. Allele origin: germline. Affected: yes.
Comment: Frameshift variant predicted to result in protein truncation or nonsense mediated decay in a gene for which loss-of-function is a known mechanism of disease; Not observed at significant frequency in large population cohorts (gnomAD); This variant is associated with the following publications: (PMID: 36460718, 38586605, 30543658, 36017691)

Labcorp Genetics (formerly Invitae), Labcorp
Classification: Pathogenic for Primary ciliary dyskinesia. Last evaluated: 2024-03-03. Review status: criteria provided, single submitter. Criteria: Invitae Variant Classification Sherloc (09022015). Collection method: clinical testing. Allele origin: germline.
Comment: This sequence change creates a premature translational stop signal (p.Glu903Glyfs*175) in the RPGR (ORF15) gene. While this is not anticipated to result in nonsense mediated decay, it is expected to disrupt the last 250 amino acid(s) of the RPGR (ORF15) protein. This variant is not present in population databases (gnomAD no frequency). This premature translational stop signal has been observed in individual(s) with retinitis pigmentosa (PMID: 30543658). ClinVar contains an entry for this variant (Variation ID: 1802367). This variant disrupts a region of the RPGR (ORF15) protein in which other variant(s) (p.Leu1130Lysfs*13) have been determined to be pathogenic (PMID: 22264887; Invitae). This suggests that this is a clinically significant region of the protein, and that variants that disrupt it are likely to be disease-causing. For these reasons, this variant has been classified as Pathogenic.

3billion
Classification: Likely pathogenic for Retinitis pigmentosa 3. Last evaluated: 2023-12-11. Review status: criteria provided, single submitter. Criteria: ACMG Guidelines, 2015. Collection method: clinical testing. Allele origin: germline. Affected: yes.
Comment: The variant is not observed in the gnomAD v2.1.1 dataset. Predicted Consequence/Location: Frameshift: predicted to result in a loss or disruption of normal protein function through protein truncation. The predicted truncated protein may be shortened by more than 10%. The variant has been reported at least twice as pathogenic without evidence for the classification (ClinVar ID: VCV001802367). Therefore, this variant is classified as Likely pathogenic according to the recommendation of ACMG/AMP guideline.

Blueprint Genetics
Classification: Pathogenic for RPGR-related disorders. Last evaluated: 2023-07-04. Review status: criteria provided, single submitter. Criteria: ACMG Guidelines, 2015. Collection method: clinical testing. Allele origin: germline. Affected: yes. Observed: 2 variant alleles.

Institute of Human Genetics, Univ. Regensburg, Univ. Regensburg
Classification: Pathogenic for Retinal dystrophy. Last evaluated: 2022-01-01. Review status: criteria provided, single submitter. Criteria: ACMG Guidelines, 2015. Collection method: clinical testing. Allele origin: germline. Affected: yes.

PreventionGenetics, part of Exact Sciences
Classification: Likely pathogenic. Last evaluated: 2018-12-07. Review status: criteria provided, single submitter. Criteria: ACMG Guidelines, 2015. Collection method: clinical testing. Allele origin: germline.

Literature cited by the submitters: PubMed 30543658 (cited by Labcorp Genetics (formerly Invitae), Labcorp and Institute of Human Genetics, Univ. Regensburg, Univ. Regensburg); PubMed 22264887 (cited by Labcorp Genetics (formerly Invitae), Labcorp); PubMed 3646071 (cited by Institute of Human Genetics, Univ. Regensburg, Univ. Regensburg).

NM_001034853.2(RPGR):c.2706_2707del (p.Glu903fs)

Gene: RPGR (retinitis pigmentosa GTPase regulator; minus strand). Cytogenetic location: Xp11.4.
Variant type: Deletion.
Coding change: c.2706_2707del on transcript NM_001034853.2 (MANE Select); coding-DNA positions 2706 to 2707, 2 bases deleted (GG; older notation c.2706_2707delGG).
Protein change: p.Glu903fs; shifts the reading frame from glutamic acid 903.
Molecular consequence: frameshift variant. On other transcripts: intron variant (8).
Genome position (GRCh38, 1-based): chrX:38,286,292-38,286,293, CC deleted on the plus strand (GG on the coding strand, the reverse complement: RPGR is on the minus strand); deleting any 2 consecutive bases within chrX:38,286,292-38,286,295 gives the same sequence; the c. name uses the placement nearest the transcript's 3' end. VCF-style (leftmost placement, unchanged base first): chrX-38286291-TCC-T. GRCh37 (hg19) VCF-style: chrX-38145544-TCC-T.
Other names: c.1569+4666_1569+4667del (NM_001367249.1, NM_001367250.1); c.1902+801_1902+802del (NM_001367245.1); c.1386+4666_1386+4667del (NM_001367251.1); c.1719+801_1719+802del (NM_001367246.1); c.1572+4666_1572+4667del (NM_001367247.1); c.1905+801_1905+802del (NM_000328.3); c.1602+4666_1602+4667del (NM_001367248.1); short protein forms E903fs.
Identifiers: ClinVar variation 1802367 (VCV001802367.11), dbSNP rs2519787762, ClinGen allele CA2580100889.